The following is an entry in ClinVar:

ClinVar aggregate classification (germline): Uncertain significance (1 of 4 stars; one submission).

Conditions:
Cardiomyopathy (CMYO). Also called: Cardiomyopathies. Identifiers: Orphanet 167848, MedGen C0878544, MONDO:0004994, HP:0001638. Inheritance: Various modes of inheritance.

Submission:

Color Diagnostics, LLC DBA Color Health
Classification: Uncertain significance for Cardiomyopathy. Last evaluated: 2023-12-05. Review status: criteria provided, single submitter. Criteria: ACMG Guidelines, 2015. Collection method: clinical testing. Allele origin: germline.
Comment: Variant of Uncertain Significance due to insufficient evidence: This missense variant is located in the cytoplasmic domain of the RYR2 protein. Computational prediction tools and conservation analyses suggest that this variant may have deleterious impact on the protein function. Computational splicing tools suggest that this variant may not impact RNA splicing. To our knowledge, functional assays have not been performed for this variant nor has this variant been reported in individuals affected with cardiovascular disorders in the literature. This variant is rare in the general population and has been identified in 0/277264 chromosomes by the Genome Aggregation Database (gnomAD). Available evidence is insufficient to determine the pathogenicity of this variant conclusively.

NM_001035.3(RYR2):c.2639G>T (p.Arg880Ile)

Gene: RYR2 (ryanodine receptor 2; plus strand). Cytogenetic location: 1q43.
Variant type: single nucleotide variant.
Coding change: c.2639G>T on transcript NM_001035.3 (MANE Select); coding-DNA position 2639, G replaced by T.
Protein change: p.Arg880Ile; replaces arginine 880 with isoleucine.
Molecular consequence: missense variant.
Genome position (GRCh38, 1-based): chr1:237,506,735, G>T. VCF-style: chr1-237506735-G-T. GRCh37 (hg19) VCF-style: chr1-237670035-G-T.
Other names: short protein forms R880I.
Identifiers: ClinVar variation 925630 (VCV000925630.5), dbSNP rs1386796924, ClinGen allele CA345381021.
Genomic context (GRCh38, chr1:237,506,735, plus strand): 5'-TTCTGATGTGTCTTTTTTCTTTTTGTAAATTTTAGATCGTGTTGCCTCCTCATCTAGAAA[G>T]AATAAGAGAAAAACTGGCAGAGAATATCCATGAACTCTGGGTTATGAATAAAATTGAGCT-3'
Protein context (NP_001026.2, residues 870-890): SQIVLPPHLE[Arg880Ile]IREKLAENIH